The following is an entry in ClinVar:

ClinVar aggregate classification (germline): Uncertain significance (1 of 4 stars; one submission).

Conditions:
Autosomal recessive limb-girdle muscular dystrophy type 2B (LGMDR2). Also called: Limb-girdle muscular dystrophy, type 2B; Limb-Girdle Muscular Dystrophy Type 2B (LGMD2B); MUSCULAR DYSTROPHY, LIMB-GIRDLE, TYPE 3; MUSCULAR DYSTROPHY, LIMB-GIRDLE, AUTOSOMAL RECESSIVE 2. Identifiers: Orphanet 268, MedGen C1850889, MONDO:0009676, OMIM 253601.

Submission:

Broad Center for Mendelian Genomics, Broad Institute of MIT and Harvard
Classification: Uncertain significance for Autosomal recessive limb-girdle muscular dystrophy type 2B. Last evaluated: 2018-12-03. Review status: criteria provided, single submitter. Criteria: ACMG Guidelines, 2015. Collection method: research. Allele origin: germline. Inheritance: Autosomal recessive inheritance. Affected: yes.
Comment: This variant was absent from large population studies. Computational prediction tools and conservation analyses suggest that this variant may impact the protein by affecting the splicing site, though this information is not predictive enough to determine pathogenicity. In summary, the clinical significance of the p.Asp497Val is uncertain. ACMG/AMP Criteria applied: PM2, PP3 (Richards 2015).

NM_001130987.2(DYSF):c.1490A>T (p.Asp497Val)

Gene: DYSF (dysferlin; plus strand). Cytogenetic location: 2p13.2.
Variant type: single nucleotide variant.
Coding change: c.1490A>T on transcript NM_001130987.2 (MANE Select); coding-DNA position 1490, A replaced by T.
Protein change: p.Asp497Val; replaces aspartic acid 497 with valine.
Molecular consequence: missense variant.
Genome position (GRCh38, 1-based): chr2:71,535,308, A>T. VCF-style: chr2-71535308-A-T. GRCh37 (hg19) VCF-style: chr2-71762438-A-T.
Other names: c.1397A>T, p.Asp466Val (NM_001130455.2, NM_001130983.2, NM_001130984.2 and 1 more transcripts); c.1394A>T, p.Asp465Val (NM_001130976.2, NM_001130977.2, NM_001130978.2 and 1 more transcripts); c.1487A>T, p.Asp496Val (NM_001130979.2, NM_001130980.2, NM_001130981.2); c.1490A>T, p.Asp497Val (NM_001130982.2, NM_001130985.2); short protein forms D465V, D466V, D496V, D497V.
Identifiers: ClinVar variation 813984 (VCV000813984.1), dbSNP rs1573811118, ClinGen allele CA347215832.